The following is an entry in ClinVar:

ClinVar aggregate classification (germline): Uncertain significance. Review status: criteria provided, multiple submitters, no conflicts (2 of 4 stars). 3 submissions from 3 submitters: Uncertain significance (3). Last evaluated 2025-11-08.

Conditions:
Inborn genetic diseases. Identifiers: MedGen C0950123, MeSH D030342.

Allele frequency attached by ClinVar (database versions not stated): gnomAD 0.00001; gnomAD exomes 0.00001; TOPMed 0.00002.
gnomAD v4.1: 8 of 1,612,702 alleles (0.0005%); highest among the groups gnomAD compares: Admixed American, 0.0033%; no homozygotes.

Submissions (3):

Ambry Genetics
Classification: Uncertain significance for Inborn genetic diseases. Last evaluated: 2025-11-08. Review status: criteria provided, single submitter. Criteria: Ambry Variant Classification Scheme 2023. Collection method: clinical testing. Allele origin: germline.

Labcorp Genetics (formerly Invitae), Labcorp
Classification: Uncertain significance. Last evaluated: 2022-05-21. Review status: criteria provided, single submitter. Criteria: Invitae Variant Classification Sherloc (09022015). Collection method: clinical testing. Allele origin: germline.
Comment: ClinVar contains an entry for this variant (Variation ID: 967916). In summary, the available evidence is currently insufficient to determine the role of this variant in disease. Therefore, it has been classified as a Variant of Uncertain Significance. Algorithms developed to predict the effect of missense changes on protein structure and function are either unavailable or do not agree on the potential impact of this missense change (SIFT: "Tolerated"; PolyPhen-2: "Probably Damaging"; Align-GVGD: "Class C0"). This variant has not been reported in the literature in individuals affected with RBP3-related conditions. This variant is present in population databases (no rsID available, gnomAD 0.002%). This sequence change replaces glycine, which is neutral and non-polar, with serine, which is neutral and polar, at codon 875 of the RBP3 protein (p.Gly875Ser).

Blueprint Genetics
Classification: Uncertain significance. Last evaluated: 2020-09-08. Review status: criteria provided, single submitter. Criteria: ACMG Guidelines, 2015. Collection method: clinical testing. Allele origin: germline.

NM_002900.3(RBP3):c.2623G>A (p.Gly875Ser)

Gene: RBP3 (retinol binding protein 3; plus strand). Cytogenetic location: 10q11.22.
Variant type: single nucleotide variant.
Coding change: c.2623G>A on transcript NM_002900.3 (MANE Select); coding-DNA position 2623, G replaced by A.
Protein change: p.Gly875Ser; replaces glycine 875 with serine.
Molecular consequence: missense variant.
Genome position (GRCh38, 1-based): chr10:47,351,107, G>A. VCF-style: chr10-47351107-G-A. GRCh37 (hg19) VCF-style: chr10-48388255-C-T.
Other names: short protein forms G875S.
Identifiers: ClinVar variation 967916 (VCV000967916.11), dbSNP rs1045036678, ClinGen allele CA206465332.